The following is an entry in ClinVar:

NM_020320.5(RARS2):c.1516G>A (p.Asp506Asn)

Gene: RARS2 (arginyl-tRNA synthetase 2, mitochondrial; minus strand). Cytogenetic location: 6q15.
Variant type: single nucleotide variant.
Coding change: c.1516G>A on transcript NM_020320.5 (MANE Select); coding-DNA position 1516, G replaced by A.
Protein change: p.Asp506Asn; replaces aspartic acid 506 with asparagine.
Molecular consequence: missense variant. On other transcripts: non-coding transcript variant (23).
Genome position (GRCh38, 1-based): chr6:87,516,876, C>T on the plus strand (G>A on the coding strand, the complement: RARS2 is on the minus strand). VCF-style: chr6-87516876-C-T. GRCh37 (hg19) VCF-style: chr6-88226594-C-T.
Other names: c.991G>A, p.Asp331Asn (NM_001318785.2, NM_001350506.2, NM_001350507.2 and 4 more transcripts); c.1516G>A, p.Asp506Asn (NM_001350505.2); short protein forms D331N, D506N.
Identifiers: ClinVar variation 2578228 (VCV002578228.2), dbSNP rs1447207460, ClinGen allele CA364920138.

ClinVar aggregate classification (germline): Uncertain significance. Review status: criteria provided, multiple submitters, no conflicts (2 of 4 stars). 2 submissions from 2 submitters: Uncertain significance (2). Last evaluated 2025-04-09.

Conditions:
Inborn genetic diseases. Identifiers: MedGen C0950123, MeSH D030342.

Allele frequency attached by ClinVar (database versions not stated): TOPMed below 0.00001.
gnomAD v4.1: 9 of 1,613,514 alleles (0.00056%); highest among the groups gnomAD compares: South Asian, 0.0011%; no homozygotes.

Submissions (2):

Ambry Genetics
Classification: Uncertain significance for Inborn genetic diseases. Last evaluated: 2025-04-09. Review status: criteria provided, single submitter. Criteria: Ambry Variant Classification Scheme 2023. Collection method: clinical testing. Allele origin: germline.

GeneDx
Classification: Uncertain significance. Last evaluated: 2023-08-31. Review status: criteria provided, single submitter. Criteria: GeneDx Variant Classification Process June 2021. Collection method: clinical testing. Allele origin: germline. Affected: yes.
Comment: Has not been previously published as pathogenic or benign to our knowledge; Not observed at significant frequency in large population cohorts (gnomAD); In silico analysis supports that this missense variant does not alter protein structure/function